The following is an entry in ClinVar:

ClinVar aggregate classification (germline): Likely benign (1 of 4 stars; one submission).

Allele frequency attached by ClinVar (database versions not stated): ExAC 0.00038; gnomAD 0.00133; 1000 Genomes Project 0.00140; ESP Exome Variant Server 0.00184; 1000 Genomes Project 30x 0.00219.
gnomAD v4.1: 548 of 1,551,014 alleles (0.035%); highest among the groups gnomAD compares: African/African-American, 0.4%; 43 homozygotes.

Submission:

CeGaT Center for Human Genetics Tuebingen
Classification: Likely benign. Last evaluated: 2025-06-01. Review status: criteria provided, single submitter. Criteria: CeGaT Center For Human Genetics Tuebingen Variant Classification Criteria Version 2. Collection method: clinical testing. Allele origin: germline. Affected: yes. Observed: 2 variant alleles.
Comment: AHNAK2: BP4, BP7, BS2

NM_138420.4(AHNAK2):c.4527C>G (p.Gly1509=)

Gene: AHNAK2 (AHNAK nucleoprotein 2; minus strand). Cytogenetic location: 14q32.33.
Variant type: single nucleotide variant.
Coding change: c.4527C>G on transcript NM_138420.4 (MANE Select); coding-DNA position 4527, C replaced by G.
Protein change: p.Gly1509=; no amino-acid change (glycine 1509 retained).
Molecular consequence: synonymous variant.
Genome position (GRCh38, 1-based): chr14:104,950,924, G>C on the plus strand (C>G on the coding strand, the complement: AHNAK2 is on the minus strand). VCF-style: chr14-104950924-G-C. GRCh37 (hg19) VCF-style: chr14-105417261-G-C.
Other names: c.4227C>G, p.Gly1409= (NM_001350929.2).
Identifiers: ClinVar variation 2644827 (VCV002644827.24), dbSNP rs185395675, ClinGen allele CA7382412.